The following is an entry in ClinVar:

ClinVar aggregate classification (germline): Pathogenic/Likely pathogenic. Review status: criteria provided, multiple submitters, no conflicts (2 of 4 stars). 5 submissions from 5 submitters: Pathogenic (1); Likely pathogenic (4). Last evaluated 2025-08-21.

Conditions:
Congenital myasthenic syndrome (CMS). Also called: Congenital Myasthenic Syndromes. Identifiers: Orphanet 590, MedGen C0751882, MeSH D020294, MONDO:0018940.
Congenital myasthenic syndrome 4C (CMS4C). Also called: Myasthenic syndrome, congenital, associated with acetylcholine receptor deficiency. Identifiers: Orphanet 590, MedGen C1837091, MONDO:0012157, OMIM 608931.
CHRNE-related disorder. Also called: CHRNE-related condition.
Congenital myasthenic syndrome 4A. Also called: Myasthenic syndrome, congenital, 4a, slow-channel; CONGENITAL MYASTHENIC SYNDROME TYPE Ia1; MYASTHENIC SYNDROME, CONGENITAL, 4A, SLOW-CHANNEL, AUTOSOMAL RECESSIVE. Identifiers: Orphanet 590, MedGen C4225413, MONDO:0011600, OMIM 605809.

Allele frequency attached by ClinVar (database versions not stated): TOPMed below 0.00001; gnomAD 0.00001.

Submissions (5):

Labcorp Genetics (formerly Invitae), Labcorp
Classification: Likely pathogenic for Congenital myasthenic syndrome 4A. Last evaluated: 2025-08-21. Review status: criteria provided, single submitter. Criteria: Invitae Variant Classification Sherloc (09022015). Collection method: clinical testing. Allele origin: germline.
Comment: This sequence change replaces proline, which is neutral and non-polar, with leucine, which is neutral and non-polar, at codon 351 of the CHRNE protein (p.Pro351Leu). This variant is not present in population databases (gnomAD no frequency). This missense change has been observed in individual(s) with clinical features of autosomal recessive congenital myasthenic syndrome (PMID: 11408331, 37721175). It has also been observed to segregate with disease in related individuals. This variant is also known as c.992C>T, P331L. ClinVar contains an entry for this variant (Variation ID: 465851). Invitae Evidence Modeling of protein sequence and biophysical properties (such as structural, functional, and spatial information, amino acid conservation, physicochemical variation, residue mobility, and thermodynamic stability) indicates that this missense variant is expected to disrupt CHRNE protein function with a positive predictive value of 95%. Experimental studies have shown that this missense change affects CHRNE function (PMID: 11408331). In summary, the currently available evidence indicates that the variant is pathogenic, but additional data are needed to prove that conclusively. Therefore, this variant has been classified as Likely Pathogenic.

Natera, Inc.
Classification: Likely pathogenic for Congenital myasthenic syndrome. Last evaluated: 2024-11-07. Review status: criteria provided, single submitter. Criteria: Natera Variant Classification Schema (03/2026). Collection method: clinical testing. Allele origin: germline.
Comment: The c.1052C>T variant in CHRNE is a missense variant predicted to cause substitution of proline to leucine at amino acid 351. This variant is rare in the general population with a frequency below the threshold expected for the associated phenotype(s). This variant has been observed in one or more individuals affected with the associated recessive disease, as either homozygous or compound heterozygous with a second variant (PMID: 37721175). Additionally, this variant has been observed to segregate in affected family members (PMID: 11408331). Functional studies show that this variant may disrupt protein function (PMID: 11408331). Computational prediction algorithms indicate this variant is likely to affect gene or protein function. Given the available evidence, this variant is classified as Likely Pathogenic.

3billion
Classification: Likely pathogenic for Congenital myasthenic syndrome 4C. Last evaluated: 2023-10-05. Review status: criteria provided, single submitter. Criteria: ACMG Guidelines, 2015. Collection method: clinical testing. Allele origin: germline. Affected: yes.
Comment: The variant is not observed in the gnomAD v2.1.1 dataset. Predicted Consequence/Location: Missense variant Functional studies provide supporting evidence of the variant having a damaging effect on the gene or gene product (PMID: 11408331). In silico tool predictions suggest a damaging effect of the variant on gene or gene product [REVEL: 0.77 (>=0.6, sensitivity 0.68 and specificity 0.92); 3Cnet: 0.69 (>=0.6, sensitivity 0.72 and precision 0.9)]. The same nucleotide change resulting in the same amino acid change has been previously reported to be associated with CHRNE related disorder (ClinVar ID: VCV000465851 /PMID: 11408331). The variant has been reported to co-segregate with the disease in at least one similarly affected relative/individual in the same family or similarly affected unrelated family (PMID: 11408331). A different missense change at the same codon (p.Pro351Arg) has been reported to be associated with CHRNE related disorder (ClinVar ID: VCV002577839). Therefore, this variant is classified as Likely pathogenic according to the recommendation of ACMG/AMP guideline.

Women's Health and Genetics/Laboratory Corporation of America, LabCorp
Classification: Pathogenic for Congenital myasthenic syndrome. Last evaluated: 2023-07-20. Review status: criteria provided, single submitter. Criteria: LabCorp Variant Classification Summary - May 2015. Collection method: clinical testing. Allele origin: germline.
Comment: Variant summary: CHRNE c.1052C>T (p.Pro351Leu) results in a non-conservative amino acid change to a highly conserved residue (HGMD) located in the Neurotransmitter-gated ion-channel transmembrane domain (IPR006029) of the encoded protein sequence. Five of five in-silico tools predict a damaging effect of the variant on protein function. The variant was absent in 131104 control chromosomes (gnomAD). c.1052C>T has been reported in the literature in related homozygous individuals affected with Congenital Myasthenic Syndrome and AChR deficiency, showing evidence of cosegregation with disease in this family (Croxen_2001). These data indicate that the variant is likely to be associated with disease. At least one publication reports experimental evidence evaluating an impact on protein function, finding that HEK293 cells expressing the epsilon-subunit with the variant lack the ability to bind alpha-Bungarotoxin, and that the protein fails to incorporate into the surface AChR complex (Croxen_2001). The following publication has been ascertained in the context of this evaluation (PMID: 11408331). One submitter has cited a clinical-significance assessment for this variant to ClinVar after 2014 and has classified the variant as uncertain significance. Based on the evidence outlined above, the variant was classified as pathogenic.

PreventionGenetics, part of Exact Sciences
Classification: Likely pathogenic for CHRNE-related condition. Last evaluated: 2023-03-29. Review status: criteria provided, single submitter. Criteria: ACMG Guidelines, 2015. Collection method: clinical testing. Allele origin: germline.
Comment: The CHRNE c.1052C>T variant is predicted to result in the amino acid substitution p.Pro351Leu. This variant, described as p.Pro331Leu based on legacy nomenclature, was reported in the homozygous state in two affected siblings with congenital myasthenic syndrome (Croxen et al. 2001. PubMed ID: 11408331). In expression studies, the p.Pro351Leu substitution was reported to severely reduce surface expression of acetylcholine receptor (Croxen et al. 2001. PubMed ID: 11408331). This variant has not been reported in a large population database, although it should be noted that coverage of this region is absent in the gnomAD exome dataset and therefore allele frequency data may be not be accurate. This variant is interpreted as likely pathogenic.

Literature cited by the submitters: PubMed 11408331 (cited by 4 submitters); PubMed 37721175 (cited by Labcorp Genetics (formerly Invitae), Labcorp and Natera, Inc.).

NM_000080.4(CHRNE):c.1052C>T (p.Pro351Leu)

Genes: CHRNE (cholinergic receptor nicotinic epsilon subunit; minus strand), LOC130060041 (ATAC-STARR-seq lymphoblastoid silent region 8050; plus strand). Cytogenetic location: 17p13.2.
Variant type: single nucleotide variant.
Coding change: c.1052C>T on transcript NM_000080.4 (MANE Select); coding-DNA position 1052, C replaced by T.
Protein change: p.Pro351Leu; replaces proline 351 with leucine.
Molecular consequence: missense variant.
Genome position (GRCh38, 1-based): chr17:4,899,365, G>A on the plus strand (C>T on the coding strand, the complement: CHRNE is on the minus strand). VCF-style: chr17-4899365-G-A. GRCh37 (hg19) VCF-style: chr17-4802660-G-A.
Other names: c.1052C>T, p.Pro351Leu (LRG_1254t1); short protein forms P351L.
Identifiers: ClinVar variation 465851 (VCV000465851.13), dbSNP rs1168592296, ClinGen allele CA397300697.
Genomic context (GRCh38, chr17:4,899,365, plus strand): 5'-CGCCTTGGGGGCGAGGCGGCCCGGGGGGCCTCGGGCGGCGGCGGGGAGCCCAGGAGGCGC[G>A]GCAGCAGCTCCAGGAGAACCTGGGGCAGGGGCGGGGCTTAGGGGACGAGGTTAGTACGAA-3'
Protein context (NP_000071.1, residues 341-361): RLRHVLLELL[Pro351Leu]RLLGSPPPPE